The following is an entry in ClinVar:

ClinVar aggregate classification (germline): Likely benign. Review status: criteria provided, single submitter (1 of 4 stars). 2 submissions from 2 submitters: Likely benign (1). 1 of the submissions does not count toward it. Last evaluated 2026-01-12.

Conditions:
IFIH1-related disorder. Also called: IFIH1-related condition.
Singleton-Merten syndrome 1 (SGMRT1). Also called: Widened medullary cavities of bone, aortic calcification, abnormal dentition, and muscular weakness; Syndrome of widened medullary cavities of the metacarpals and phalanges, aortic calcification and abnormal dentition. Identifiers: Orphanet 85191, MedGen C4225427, MONDO:0024535, OMIM 182250.
Aicardi-Goutieres syndrome 7 (AGS7). Identifiers: Orphanet 51, MedGen C3888244, MONDO:0014367, OMIM 615846.

Allele frequency attached by ClinVar (database versions not stated): TOPMed 0.00003.
gnomAD v4.1: 212 of 1,614,034 alleles (0.013%); highest among the groups gnomAD compares: Non-Finnish European, 0.017%; no homozygotes.

Submissions (2):

Labcorp Genetics (formerly Invitae), Labcorp
Classification: Likely benign for Aicardi-Goutieres syndrome 7; Singleton-Merten syndrome 1. Last evaluated: 2026-01-12. Review status: criteria provided, single submitter. Criteria: Invitae Variant Classification Sherloc (09022015). Collection method: clinical testing. Allele origin: germline.

PreventionGenetics, part of Exact Sciences
Classification: Likely benign for IFIH1-related condition. Last evaluated: 2024-09-03. Review status: no assertion criteria provided. Collection method: clinical testing. Allele origin: germline. Not counted in ClinVar's aggregate classification.
Comment: This variant is classified as likely benign based on ACMG/AMP sequence variant interpretation guidelines (Richards et al. 2015 PMID: 25741868, with internal and published modifications).

NM_022168.4(IFIH1):c.229C>A (p.Arg77=)

Gene: IFIH1 (interferon induced with helicase C domain 1; minus strand). Cytogenetic location: 2q24.2.
Variant type: single nucleotide variant.
Coding change: c.229C>A on transcript NM_022168.4 (MANE Select); coding-DNA position 229, C replaced by A.
Protein change: p.Arg77=; no amino-acid change (arginine 77 retained).
Molecular consequence: synonymous variant.
Genome position (GRCh38, 1-based): chr2:162,318,079, G>T on the plus strand (C>A on the coding strand, the complement: IFIH1 is on the minus strand). VCF-style: chr2-162318079-G-T. GRCh37 (hg19) VCF-style: chr2-163174589-G-T.
Identifiers: ClinVar variation 858398 (VCV000858398.8), dbSNP rs147278787, ClinGen allele CA1934876.